The following is an entry in ClinVar:

NM_024675.4(PALB2):c.532G>A (p.Glu178Lys)

Gene: PALB2 (partner and localizer of BRCA2; minus strand). Cytogenetic location: 16p12.2.
Variant type: single nucleotide variant.
Coding change: c.532G>A on transcript NM_024675.4 (MANE Select); coding-DNA position 532, G replaced by A.
Protein change: p.Glu178Lys; replaces glutamic acid 178 with lysine.
Molecular consequence: missense variant.
Genome position (GRCh38, 1-based): chr16:23,636,014, C>T on the plus strand (G>A on the coding strand, the complement: PALB2 is on the minus strand). VCF-style: chr16-23636014-C-T. GRCh37 (hg19) VCF-style: chr16-23647335-C-T.
Other names: short protein forms E178K.
Identifiers: ClinVar variation 825657 (VCV000825657.7), dbSNP rs1597098960, ClinGen allele CA395136940.

ClinVar aggregate classification (germline): Uncertain significance. Review status: criteria provided, multiple submitters, no conflicts (2 of 4 stars). 2 submissions from 2 submitters: Uncertain significance (2). Last evaluated 2024-01-25.

Conditions:
Familial cancer of breast. Also called: BREAST CANCER, FAMILIAL; Hereditary breast cancer; hereditary breast carcinoma. Identifiers: Orphanet 227535, MedGen C0346153, MONDO:0016419, OMIM 114480. Disease mechanism: loss of function.
Hereditary cancer-predisposing syndrome. Also called: Neoplastic Syndromes, Hereditary; Tumor predisposition; Hereditary neoplastic syndrome; Hereditary Cancer Syndrome. Identifiers: Orphanet 140162, MedGen C0027672, MeSH D009386, MONDO:0015356.

Submissions (2):

Labcorp Genetics (formerly Invitae), Labcorp
Classification: Uncertain significance for Familial cancer of breast. Last evaluated: 2024-01-25. Review status: criteria provided, single submitter. Criteria: Invitae Variant Classification Sherloc (09022015). Collection method: clinical testing. Allele origin: germline.
Comment: This sequence change replaces glutamic acid, which is acidic and polar, with lysine, which is basic and polar, at codon 178 of the PALB2 protein (p.Glu178Lys). This variant is not present in population databases (gnomAD no frequency). This variant has not been reported in the literature in individuals affected with PALB2-related conditions. ClinVar contains an entry for this variant (Variation ID: 825657). Algorithms developed to predict the effect of missense changes on protein structure and function output the following: SIFT: "Not Available"; PolyPhen-2: "Benign"; Align-GVGD: "Not Available". The lysine amino acid residue is found in multiple mammalian species, which suggests that this missense change does not adversely affect protein function. In summary, the available evidence is currently insufficient to determine the role of this variant in disease. Therefore, it has been classified as a Variant of Uncertain Significance.

Ambry Genetics
Classification: Uncertain significance for Hereditary cancer-predisposing syndrome. Last evaluated: 2019-08-05. Review status: criteria provided, single submitter. Criteria: Ambry Variant Classification Scheme 2023. Collection method: clinical testing. Allele origin: germline.
Comment: The p.E178K variant (also known as c.532G>A), located in coding exon 4 of the PALB2 gene, results from a G to A substitution at nucleotide position 532. The glutamic acid at codon 178 is replaced by lysine, an amino acid with similar properties. This amino acid position is not well conserved in available vertebrate species. In addition, this alteration is predicted to be tolerated by in silico analysis. Since supporting evidence is limited at this time, the clinical significance of this alteration remains unclear.